The following is an entry in ClinVar:

ClinVar aggregate classification (germline): Uncertain significance. Review status: criteria provided, multiple submitters, no conflicts (2 of 4 stars). 4 submissions from 4 submitters: Uncertain significance (3). 1 of the submissions does not count toward it. Last evaluated 2025-08-30.

Conditions:
Retinitis pigmentosa 55 (RP55). Identifiers: Orphanet 791, MedGen C3150808, MONDO:0013312, OMIM 613575.
Bardet-Biedl syndrome 3 (BBS3). Identifiers: Orphanet 110, MedGen C1859564, MONDO:0010832, OMIM 600151.
ARL6-related disorder. Also called: ARL6-related condition.
Bardet-Biedl syndrome 1 (BBS1). Identifiers: MedGen C2936862, MONDO:0008854, OMIM 209900. Disease mechanism: loss of function.
Inborn genetic diseases. Identifiers: MedGen C0950123, MeSH D030342.

Allele frequency attached by ClinVar (database versions not stated): gnomAD exomes below 0.00001.
gnomAD v4.1: 9 of 1,613,480 alleles (0.00056%); highest among the groups gnomAD compares: Non-Finnish European, 0.00068%; no homozygotes.

Submissions (4):

Ambry Genetics
Classification: Uncertain significance for Inborn genetic diseases. Last evaluated: 2025-08-30. Review status: criteria provided, single submitter. Criteria: Ambry Variant Classification Scheme 2023. Collection method: clinical testing. Allele origin: germline.

Labcorp Genetics (formerly Invitae), Labcorp
Classification: Uncertain significance for Retinitis pigmentosa 55; Bardet-Biedl syndrome 3. Last evaluated: 2024-11-05. Review status: criteria provided, single submitter. Criteria: Invitae Variant Classification Sherloc (09022015). Collection method: clinical testing. Allele origin: germline.
Comment: This sequence change replaces aspartic acid, which is acidic and polar, with alanine, which is neutral and non-polar, at codon 175 of the ARL6 protein (p.Asp175Ala). This variant is present in population databases (rs570080567, gnomAD 0.002%). This variant has not been reported in the literature in individuals affected with ARL6-related conditions. ClinVar contains an entry for this variant (Variation ID: 1514035). An algorithm developed to predict the effect of missense changes on protein structure and function (PolyPhen-2) suggests that this variant is likely to be tolerated. In summary, the available evidence is currently insufficient to determine the role of this variant in disease. Therefore, it has been classified as a Variant of Uncertain Significance.

Fulgent Genetics
Classification: Uncertain significance for Bardet-Biedl syndrome 1; Bardet-Biedl syndrome 3; Retinitis pigmentosa 55. Last evaluated: 2024-06-17. Review status: criteria provided, single submitter. Criteria: ACMG Guidelines, 2015. Collection method: clinical testing. Allele origin: germline.

PreventionGenetics, part of Exact Sciences
Classification: Uncertain significance for ARL6-related condition. Last evaluated: 2024-05-04. Review status: no assertion criteria provided. Collection method: clinical testing. Allele origin: germline. Not counted in ClinVar's aggregate classification.
Comment: The ARL6 c.524A>C variant is predicted to result in the amino acid substitution p.Asp175Ala. To our knowledge, this variant has not been reported in the literature. This variant is reported in 0.0023% of alleles in individuals of European (Non-Finnish) descent in gnomAD. At this time, the clinical significance of this variant is uncertain due to the absence of conclusive functional and genetic evidence.

NM_001278293.3(ARL6):c.524A>C (p.Asp175Ala)

Gene: ARL6 (ARF like GTPase 6; plus strand). Cytogenetic location: 3q11.2.
Variant type: single nucleotide variant.
Coding change: c.524A>C on transcript NM_001278293.3 (MANE Select); coding-DNA position 524, A replaced by C.
Protein change: p.Asp175Ala; replaces aspartic acid 175 with alanine.
Molecular consequence: missense variant. On other transcripts: intron variant (1), non-coding transcript variant (6).
Genome position (GRCh38, 1-based): chr3:97,791,815, A>C. VCF-style: chr3-97791815-A-C. GRCh37 (hg19) VCF-style: chr3-97510659-A-C.
Other names: c.479+3696A>C (NM_001323514.2); c.524A>C, p.Asp175Ala (NM_001323513.2, NM_032146.5, NM_177976.3); c.524A>C (NM_177976.1); short protein forms D175A.
Identifiers: ClinVar variation 1514035 (VCV001514035.10), dbSNP rs570080567, ClinGen allele CA79494777.